The following is an entry in ClinVar:

NM_001171.6(ABCC6):c.3457C>T (p.Arg1153Cys)

Gene: ABCC6 (ATP binding cassette subfamily C member 6; minus strand). Cytogenetic location: 16p13.11.
Variant type: single nucleotide variant.
Coding change: c.3457C>T on transcript NM_001171.6 (MANE Select); coding-DNA position 3457, C replaced by T.
Protein change: p.Arg1153Cys; replaces arginine 1153 with cysteine.
Molecular consequence: missense variant.
Genome position (GRCh38, 1-based): chr16:16,163,042, G>A on the plus strand (C>T on the coding strand, the complement: ABCC6 is on the minus strand). VCF-style: chr16-16163042-G-A. GRCh37 (hg19) VCF-style: chr16-16256899-G-A.
Other names: c.3115C>T, p.Arg1039Cys (NM_001351800.1); short protein forms R1039C, R1153C.
Identifiers: ClinVar variation 1353117 (VCV001353117.4), dbSNP rs762758350, ClinGen allele CA7925579.

ClinVar aggregate classification (germline): Uncertain significance. Review status: criteria provided, multiple submitters, no conflicts (2 of 4 stars). 2 submissions from 2 submitters: Uncertain significance (2). Last evaluated 2022-07-11.

Conditions:
Autosomal recessive inherited pseudoxanthoma elasticum (PXE). Identifiers: Orphanet 758, MedGen CN032334, MONDO:0009925, OMIM 264800.
Pseudoxanthoma elasticum, forme fruste. Also called: PSEUDOXANTHOMA ELASTICUM, HETEROZYGOUS; Pseudoxanthoma Elasticum, Incomplete. Identifiers: Orphanet 758, MedGen C1867450, MONDO:0008333, OMIM 177850.
Arterial calcification, generalized, of infancy, 2. Identifiers: Orphanet 51608, MedGen C3276161, MONDO:0013768, OMIM 614473.

Allele frequency attached by ClinVar (database versions not stated): gnomAD exomes 0.00002; ExAC 0.00001; TOPMed 0.00004; gnomAD 0.00005.
gnomAD v4.1: 19 of 1,613,882 alleles (0.0012%); highest among the groups gnomAD compares: African/African-American, 0.0067%; no homozygotes.

Submissions (2):

Labcorp Genetics (formerly Invitae), Labcorp
Classification: Uncertain significance. Last evaluated: 2022-07-11. Review status: criteria provided, single submitter. Criteria: Invitae Variant Classification Sherloc (09022015). Collection method: clinical testing. Allele origin: germline.
Comment: This sequence change replaces arginine, which is basic and polar, with cysteine, which is neutral and slightly polar, at codon 1153 of the ABCC6 protein (p.Arg1153Cys). This variant is present in population databases (rs762758350, gnomAD 0.01%). This variant has not been reported in the literature in individuals affected with ABCC6-related conditions. ClinVar contains an entry for this variant (Variation ID: 1353117). Algorithms developed to predict the effect of missense changes on protein structure and function are either unavailable or do not agree on the potential impact of this missense change (SIFT: "Deleterious"; PolyPhen-2: "Possibly Damaging"; Align-GVGD: "Class C15"). Algorithms developed to predict the effect of sequence changes on RNA splicing suggest that this variant may disrupt the consensus splice site. In summary, the available evidence is currently insufficient to determine the role of this variant in disease. Therefore, it has been classified as a Variant of Uncertain Significance.

Fulgent Genetics
Classification: Uncertain significance for Pseudoxanthoma elasticum, forme fruste; Autosomal recessive inherited pseudoxanthoma elasticum; Arterial calcification, generalized, of infancy, 2. Last evaluated: 2021-10-29. Review status: criteria provided, single submitter. Criteria: ACMG Guidelines, 2015. Collection method: clinical testing. Allele origin: unknown.